The following is an entry in ClinVar:

NM_002936.6(RNASEH1):c.702A>G (p.Ala234=)

Gene: RNASEH1 (ribonuclease H1; minus strand). Cytogenetic location: 2p25.3.
Variant type: single nucleotide variant.
Coding change: c.702A>G on transcript NM_002936.6 (MANE Select); coding-DNA position 702, A replaced by G.
Protein change: p.Ala234=; no amino-acid change (alanine 234 retained).
Molecular consequence: synonymous variant. On other transcripts: non-coding transcript variant (7).
Genome position (GRCh38, 1-based): chr2:3,548,003, T>C on the plus strand (A>G on the coding strand, the complement: RNASEH1 is on the minus strand). VCF-style: chr2-3548003-T-C. GRCh37 (hg19) VCF-style: chr2-3595593-T-C.
Other names: p.Ala234=; c.702A>G (NM_002936.5); c.624A>G, p.Ala208= (NM_001286834.3); c.351A>G, p.Ala117= (NM_001286837.3); c.702A>G, p.Ala234= (NM_001378271.1); c.699A>G, p.Ala233= (NM_001378272.1); c.687A>G, p.Ala229= (NM_001378273.1).
Identifiers: ClinVar variation 673568 (VCV000673568.45), dbSNP rs143510329, ClinGen allele CA1516151.

ClinVar aggregate classification (germline): Benign/Likely benign. Review status: criteria provided, multiple submitters, no conflicts (2 of 4 stars). 6 submissions from 6 submitters: Benign (3); Likely benign (2). 1 of the submissions does not count toward it. Last evaluated 2026-05-01.

Conditions:
RNASEH1-related disorder. Also called: RNASEH1-related condition.

Allele frequency attached by ClinVar (database versions not stated): 1000 Genomes Project 0.00140; 1000 Genomes Project 30x 0.00156; TOPMed 0.00554; gnomAD 0.00652 and 0.00685; gnomAD exomes 0.00673; ExAC 0.00715; ESP Exome Variant Server 0.00738.
gnomAD v4.1: 13,975 of 1,613,838 alleles (0.87%); highest among the groups gnomAD compares: Non-Finnish European, 1%; 88 homozygotes.

Submissions (25):

CeGaT Center for Human Genetics Tuebingen
Classification: Benign. Last evaluated: 2026-05-01. Review status: criteria provided, single submitter. Criteria: CeGaT Center For Human Genetics Tuebingen Variant Classification Criteria Version 2. Collection method: clinical testing. Allele origin: germline. Affected: yes. Observed: 20 variant alleles.
Comment: RNASEH1: BP4, BP7, BS1, BS2

Labcorp Genetics (formerly Invitae), Labcorp
Classification: Benign. Last evaluated: 2026-01-27. Review status: criteria provided, single submitter. Criteria: Invitae Variant Classification Sherloc (09022015). Collection method: clinical testing. Allele origin: germline.

Mayo Clinic Laboratories, Mayo Clinic
Classification: Benign. Last evaluated: 2023-01-17. Review status: criteria provided, single submitter. Criteria: ACMG Guidelines, 2015. Collection method: clinical testing. Allele origin: germline. Observed: 53 variant alleles.
Comment: BS1, BS2, BP4, BP7

GeneDx
Classification: Likely benign. Last evaluated: 2021-07-28. Review status: criteria provided, single submitter. Criteria: GeneDx Variant Classification Process June 2021. Collection method: clinical testing. Allele origin: germline. Affected: yes.

Breakthrough Genomics
Classification: Likely benign. Review status: criteria provided, single submitter. Criteria: ACMG Guidelines, 2015. Collection method: not provided. Allele origin: germline. Inheritance: Autosomal recessive inheritance. Affected: yes.

PreventionGenetics, part of Exact Sciences
Classification: Benign for RNASEH1-related condition. Last evaluated: 2019-06-04. Review status: no assertion criteria provided. Collection method: clinical testing. Allele origin: germline. Not counted in ClinVar's aggregate classification.
Comment: This variant is classified as benign based on ACMG/AMP sequence variant interpretation guidelines (Richards et al. 2015 PMID: 25741868, with internal and published modifications).

Dr. Peter K. Rogan Lab, Western University
No classification provided (evidence only). Condition: Clear cell carcinoma of kidney. Review status: no classification provided. Collection method: in vitro. Allele origin: not applicable. Functional consequence: retained intron. Not counted in ClinVar's aggregate classification.

Dr. Peter K. Rogan Lab, Western University
No classification provided (evidence only). Condition: Lung cancer. Review status: no classification provided. Collection method: in vitro. Allele origin: not applicable. Functional consequence: retained intron. Not counted in ClinVar's aggregate classification.

Dr. Peter K. Rogan Lab, Western University
No classification provided (evidence only). Condition: Melanoma. Review status: no classification provided. Collection method: in vitro. Allele origin: not applicable. Functional consequence: retained intron. Not counted in ClinVar's aggregate classification.

Dr. Peter K. Rogan Lab, Western University
No classification provided (evidence only). Condition: Colon adenocarcinoma. Review status: no classification provided. Collection method: in vitro. Allele origin: not applicable. Functional consequence: retained intron. Not counted in ClinVar's aggregate classification.

Dr. Peter K. Rogan Lab, Western University
No classification provided (evidence only). Condition: Colorectal cancer. Review status: no classification provided. Collection method: in vitro. Allele origin: not applicable. Functional consequence: retained intron. Not counted in ClinVar's aggregate classification.

Dr. Peter K. Rogan Lab, Western University
No classification provided (evidence only). Condition: Cervical cancer. Review status: no classification provided. Collection method: in vitro. Allele origin: not applicable. Functional consequence: retained intron. Not counted in ClinVar's aggregate classification.

Dr. Peter K. Rogan Lab, Western University
No classification provided (evidence only). Condition: Malignant lymphoma, large B-cell, diffuse. Review status: no classification provided. Collection method: in vitro. Allele origin: not applicable. Functional consequence: retained intron. Not counted in ClinVar's aggregate classification.

Dr. Peter K. Rogan Lab, Western University
No classification provided (evidence only). Condition: Malignant lymphoma, large B-cell, diffuse. Review status: no classification provided. Collection method: in vitro. Allele origin: not applicable. Functional consequence: retained intron. Not counted in ClinVar's aggregate classification.

Dr. Peter K. Rogan Lab, Western University
No classification provided (evidence only). Condition: Nonpapillary renal cell carcinoma. Review status: no classification provided. Collection method: in vitro. Allele origin: not applicable. Functional consequence: retained intron. Not counted in ClinVar's aggregate classification.

Dr. Peter K. Rogan Lab, Western University
No classification provided (evidence only). Condition: Nonpapillary renal cell carcinoma. Review status: no classification provided. Collection method: in vitro. Allele origin: not applicable. Functional consequence: retained intron. Not counted in ClinVar's aggregate classification.

Dr. Peter K. Rogan Lab, Western University
No classification provided (evidence only). Condition: Ovarian serous cystadenocarcinoma. Review status: no classification provided. Collection method: in vitro. Allele origin: not applicable. Functional consequence: retained intron. Not counted in ClinVar's aggregate classification.

Dr. Peter K. Rogan Lab, Western University
No classification provided (evidence only). Condition: Gastric cancer. Review status: no classification provided. Collection method: in vitro. Allele origin: not applicable. Functional consequence: retained intron. Not counted in ClinVar's aggregate classification.

Dr. Peter K. Rogan Lab, Western University
No classification provided (evidence only). Condition: Gastric cancer. Review status: no classification provided. Collection method: in vitro. Allele origin: not applicable. Functional consequence: retained intron. Not counted in ClinVar's aggregate classification.

Dr. Peter K. Rogan Lab, Western University
No classification provided (evidence only). Condition: Gastric cancer. Review status: no classification provided. Collection method: in vitro. Allele origin: not applicable. Functional consequence: retained intron. Not counted in ClinVar's aggregate classification.

Dr. Peter K. Rogan Lab, Western University
No classification provided (evidence only). Condition: Gastric cancer. Review status: no classification provided. Collection method: in vitro. Allele origin: not applicable. Functional consequence: retained intron. Not counted in ClinVar's aggregate classification.

Dr. Peter K. Rogan Lab, Western University
No classification provided (evidence only). Condition: Uterine carcinosarcoma. Review status: no classification provided. Collection method: in vitro. Allele origin: not applicable. Functional consequence: retained intron. Not counted in ClinVar's aggregate classification.

Dr. Peter K. Rogan Lab, Western University
No classification provided (evidence only). Condition: Malignant tumor of esophagus. Review status: no classification provided. Collection method: in vitro. Allele origin: not applicable. Functional consequence: retained intron. Not counted in ClinVar's aggregate classification.

Dr. Peter K. Rogan Lab, Western University
No classification provided (evidence only). Condition: Malignant tumor of esophagus. Review status: no classification provided. Collection method: in vitro. Allele origin: not applicable. Functional consequence: retained intron. Not counted in ClinVar's aggregate classification.

Dr. Peter K. Rogan Lab, Western University
No classification provided (evidence only). Condition: Malignant tumor of esophagus. Review status: no classification provided. Collection method: in vitro. Allele origin: not applicable. Functional consequence: retained intron. Not counted in ClinVar's aggregate classification.